The following is an entry in ClinVar:

ClinVar aggregate classification (germline): Conflicting classifications of pathogenicity. Review status: criteria provided, conflicting classifications (1 of 4 stars). 3 submissions from 3 submitters: Uncertain significance (2); Likely benign (1). Last evaluated 2025-10-16.

Conditions:
Inborn genetic diseases. Identifiers: MedGen C0950123, MeSH D030342.

Allele frequency attached by ClinVar (database versions not stated): ExAC 0.00002; gnomAD exomes 0.00016; ESP Exome Variant Server 0.00023; gnomAD 0.00011; TOPMed 0.00008.
gnomAD v4.1: 241 of 1,614,064 alleles (0.015%); highest among the groups gnomAD compares: Non-Finnish European, 0.019%; no homozygotes.

Submissions (3):

Labcorp Genetics (formerly Invitae), Labcorp
Classification: Uncertain significance. Last evaluated: 2025-10-16. Review status: criteria provided, single submitter. Criteria: Invitae Variant Classification Sherloc (09022015). Collection method: clinical testing. Allele origin: germline.
Comment: This sequence change replaces methionine, which is neutral and non-polar, with valine, which is neutral and non-polar, at codon 2028 of the SRCAP protein (p.Met2028Val). This variant is present in population databases (rs147650424, gnomAD 0.01%). This variant has not been reported in the literature in individuals affected with SRCAP-related conditions. ClinVar contains an entry for this variant (Variation ID: 2469834). Invitae Evidence Modeling of protein sequence and biophysical properties (such as structural, functional, and spatial information, amino acid conservation, physicochemical variation, residue mobility, and thermodynamic stability) indicates that this missense variant is not expected to disrupt SRCAP protein function with a negative predictive value of 80%. In summary, the available evidence is currently insufficient to determine the role of this variant in disease. Therefore, it has been classified as a Variant of Uncertain Significance.

Women's Health and Genetics/Laboratory Corporation of America, LabCorp
Classification: Uncertain significance. Last evaluated: 2024-09-25. Review status: criteria provided, single submitter. Criteria: LabCorp Variant Classification Summary - May 2015. Collection method: clinical testing. Allele origin: germline.
Comment: Variant summary: SRCAP c.6082A>G (p.Met2028Val) results in a conservative amino acid change in the encoded protein sequence. Four of five in-silico tools predict a damaging effect of the variant on protein function. The variant allele was found at a frequency of 2.8e-05 in 251488 control chromosomes. The available data on variant occurrences in the general population are insufficient to allow any conclusion about variant significance. To our knowledge, no occurrence of c.6082A>G in individuals affected with Floating-Harbor Syndrome and no experimental evidence demonstrating its impact on protein function have been reported. ClinVar contains an entry for this variant (Variation ID: 2469834). Based on the evidence outlined above, the variant was classified as uncertain significance.

Ambry Genetics
Classification: Likely benign for Inborn genetic diseases. Last evaluated: 2023-02-22. Review status: criteria provided, single submitter. Criteria: Ambry Variant Classification Scheme 2023. Collection method: clinical testing. Allele origin: germline.

NM_006662.3(SRCAP):c.6082A>G (p.Met2028Val)

Gene: SRCAP (Snf2 related CREBBP activator protein; plus strand). Cytogenetic location: 16p11.2.
Variant type: single nucleotide variant.
Coding change: c.6082A>G on transcript NM_006662.3 (MANE Select); coding-DNA position 6082, A replaced by G.
Protein change: p.Met2028Val; replaces methionine 2028 with valine.
Molecular consequence: missense variant.
Genome position (GRCh38, 1-based): chr16:30,729,527, A>G. VCF-style: chr16-30729527-A-G. GRCh37 (hg19) VCF-style: chr16-30740848-A-G.
Other names: short protein forms M2028V.
Identifiers: ClinVar variation 2469834 (VCV002469834.6), dbSNP rs147650424, ClinGen allele CA8012140.